The following is an entry in ClinVar:

ClinVar aggregate classification (germline): Uncertain significance (1 of 4 stars; one submission).

gnomAD v4.1: 5 of 1,599,506 alleles (0.00031%); highest among the groups gnomAD compares: Non-Finnish European, 0.00042%; no homozygotes.

Submission:

CeGaT Center for Human Genetics Tuebingen
Classification: Uncertain significance. Last evaluated: 2026-03-01. Review status: criteria provided, single submitter. Criteria: CeGaT Center For Human Genetics Tuebingen Variant Classification Criteria Version 2. Collection method: clinical testing. Allele origin: germline. Affected: yes. Observed: 1 variant allele.
Comment: NOTCH1: PM2:Supporting

NM_017617.5(NOTCH1):c.7319A>G (p.Gln2440Arg)

Gene: NOTCH1 (notch receptor 1; minus strand). Cytogenetic location: 9q34.3.
Variant type: single nucleotide variant.
Coding change: c.7319A>G on transcript NM_017617.5 (MANE Select); coding-DNA position 7319, A replaced by G.
Protein change: p.Gln2440Arg; replaces glutamine 2440 with arginine.
Molecular consequence: missense variant.
Genome position (GRCh38, 1-based): chr9:136,496,420, T>C on the plus strand (A>G on the coding strand, the complement: NOTCH1 is on the minus strand). VCF-style: chr9-136496420-T-C. GRCh37 (hg19) VCF-style: chr9-139390872-T-C.
Other names: short protein forms Q2440R.
Identifiers: ClinVar variation 4822198 (VCV004822198.4).